The following is an entry in ClinVar:

ClinVar aggregate classification (germline): Conflicting classifications of pathogenicity. Review status: criteria provided, conflicting classifications (1 of 4 stars). 2 submissions from 2 submitters: Uncertain significance (1); Likely benign (1). Last evaluated 2025-08-20.

Conditions:
Familial meningioma. Also called: Meningioma, familial, susceptibility to. Identifiers: Orphanet 263662, MedGen C3551915, MONDO:0011789, OMIM 607174.
Hereditary cancer-predisposing syndrome. Also called: Hereditary Cancer Syndrome; Hereditary neoplastic syndrome; Tumor predisposition; Neoplastic Syndromes, Hereditary. Identifiers: Orphanet 140162, MedGen C0027672, MeSH D009386, MONDO:0015356.

Allele frequency attached by ClinVar (database versions not stated): gnomAD exomes below 0.00001; gnomAD 0.00001; TOPMed 0.00001.

Submissions (2):

Ambry Genetics
Classification: Likely benign for Hereditary cancer-predisposing syndrome. Last evaluated: 2025-08-20. Review status: criteria provided, single submitter. Criteria: Ambry Variant Classification Scheme 2023. Collection method: clinical testing. Allele origin: germline.

Labcorp Genetics (formerly Invitae), Labcorp
Classification: Uncertain significance for Familial meningioma. Last evaluated: 2023-01-12. Review status: criteria provided, single submitter. Criteria: Invitae Variant Classification Sherloc (09022015). Collection method: clinical testing. Allele origin: germline.
Comment: Advanced modeling of protein sequence and biophysical properties (such as structural, functional, and spatial information, amino acid conservation, physicochemical variation, residue mobility, and thermodynamic stability) performed at Invitae indicates that this missense variant is expected to disrupt SMARCE1 protein function. ClinVar contains an entry for this variant (Variation ID: 1398563). This variant has not been reported in the literature in individuals affected with SMARCE1-related conditions. This variant is present in population databases (no rsID available, gnomAD 0.007%). This sequence change replaces glutamine, which is neutral and polar, with histidine, which is basic and polar, at codon 247 of the SMARCE1 protein (p.Gln247His). In summary, the available evidence is currently insufficient to determine the role of this variant in disease. Therefore, it has been classified as a Variant of Uncertain Significance.

NM_003079.5(SMARCE1):c.741A>C (p.Gln247His)

Gene: SMARCE1 (SWI/SNF related BAF chromatin remodeling complex subunit E1; minus strand). Cytogenetic location: 17q21.2.
Variant type: single nucleotide variant.
Coding change: c.741A>C on transcript NM_003079.5 (MANE Select); coding-DNA position 741, A replaced by C.
Protein change: p.Gln247His; replaces glutamine 247 with histidine.
Molecular consequence: missense variant.
Genome position (GRCh38, 1-based): chr17:40,631,667, T>G on the plus strand (A>C on the coding strand, the complement: SMARCE1 is on the minus strand). VCF-style: chr17-40631667-T-G. GRCh37 (hg19) VCF-style: chr17-38787919-T-G.
Other names: short protein forms Q247H.
Identifiers: ClinVar variation 1398563 (VCV001398563.11), dbSNP rs1356231337, ClinGen allele CA16622086.